The following is an entry in ClinVar:

ClinVar aggregate classification (germline): Uncertain significance. Review status: criteria provided, multiple submitters, no conflicts (2 of 4 stars). 2 submissions from 2 submitters: Uncertain significance (2). Last evaluated 2025-07-27.

Conditions:
Hereditary cancer-predisposing syndrome. Also called: Tumor predisposition; Neoplastic Syndromes, Hereditary; Hereditary Cancer Syndrome; Hereditary neoplastic syndrome. Identifiers: Orphanet 140162, MedGen C0027672, MeSH D009386, MONDO:0015356.
Gorlin syndrome. Also called: Nevoid Basal Cell Carcinoma Syndrome; Basal cell nevus syndrome. Identifiers: Orphanet 377, MedGen C0004779, MONDO:0007187.

Submissions (2):

Labcorp Genetics (formerly Invitae), Labcorp
Classification: Uncertain significance for Gorlin syndrome. Last evaluated: 2025-07-27. Review status: criteria provided, single submitter. Criteria: Invitae Variant Classification Sherloc (09022015). Collection method: clinical testing. Allele origin: germline.
Comment: This sequence change replaces arginine, which is basic and polar, with serine, which is neutral and polar, at codon 603 of the PTCH1 protein (p.Arg603Ser). This variant is not present in population databases (gnomAD no frequency). This variant has not been reported in the literature in individuals affected with PTCH1-related conditions. ClinVar contains an entry for this variant (Variation ID: 2624553). Invitae Evidence Modeling of protein sequence and biophysical properties (such as structural, functional, and spatial information, amino acid conservation, physicochemical variation, residue mobility, and thermodynamic stability) has been performed for this missense variant. However, the output from this modeling did not meet the statistical confidence thresholds required to predict the impact of this variant on PTCH1 protein function. In summary, the available evidence is currently insufficient to determine the role of this variant in disease. Therefore, it has been classified as a Variant of Uncertain Significance.

Ambry Genetics
Classification: Uncertain significance for Hereditary cancer-predisposing syndrome. Last evaluated: 2023-08-21. Review status: criteria provided, single submitter. Criteria: Ambry Variant Classification Scheme 2023. Collection method: clinical testing. Allele origin: germline.
Comment: The p.R603S variant (also known as c.1807C>A), located in coding exon 13 of the PTCH1 gene, results from a C to A substitution at nucleotide position 1807. The arginine at codon 603 is replaced by serine, an amino acid with dissimilar properties. This amino acid position is highly conserved in available vertebrate species. In addition, this alteration is predicted to be deleterious by in silico analysis. Since supporting evidence is limited at this time, the clinical significance of this alteration remains unclear.

NM_000264.5(PTCH1):c.1807C>A (p.Arg603Ser)

Genes: PTCH1 (patched 1; minus strand), LOC100507346 (uncharacterized LOC100507346; plus strand). Cytogenetic location: 9q22.32.
Variant type: single nucleotide variant.
Coding change: c.1807C>A on transcript NM_000264.5 (MANE Select); coding-DNA position 1807, C replaced by A.
Protein change: p.Arg603Ser; replaces arginine 603 with serine.
Molecular consequence: missense variant. On other transcripts: non-coding transcript variant (2).
Genome position (GRCh38, 1-based): chr9:95,469,853, G>T on the plus strand (C>A on the coding strand, the complement: PTCH1 is on the minus strand). VCF-style: chr9-95469853-G-T. GRCh37 (hg19) VCF-style: chr9-98232135-G-T.
Other names: c.1609C>A, p.Arg537Ser (NM_001083602.3); c.1804C>A, p.Arg602Ser (NM_001083603.3); c.1354C>A, p.Arg452Ser (NM_001083604.3, NM_001083605.3, NM_001083606.3 and 1 more transcripts); c.1651C>A, p.Arg551Ser (NM_001354918.2); short protein forms R537S, R603S, R452S, R551S, R602S.
Identifiers: ClinVar variation 2624553 (VCV002624553.4), dbSNP rs2118091748, ClinGen allele CA374116304.
Genomic context (GRCh38, chr9:95,469,853, plus strand): 5'-ACAGCAGTCTGAAAATGTACCTTGTAAAACAGCAGAAAATATCCAGTCTCCTGTCCTCGC[G>T]TCGATATAAATCCATGCTGAGAATTGCAGGAAAAATGAGCAGAACCATGGCAAAATTGAA-3'
Protein context (NP_000255.2, residues 593-613): PAILSMDLYR[Arg603Ser]EDRRLDIFCC